The following is an entry in ClinVar:

NM_013338.5(ALG5):c.672G>A (p.Trp224Ter)

Gene: ALG5 (ALG5 dolichyl-phosphate beta-glucosyltransferase; minus strand). Cytogenetic location: 13q13.3.
Variant type: single nucleotide variant.
Coding change: c.672G>A on transcript NM_013338.5 (MANE Select); coding-DNA position 672, G replaced by A.
Protein change: p.Trp224Ter; replaces tryptophan 224 with a stop codon.
Molecular consequence: nonsense.
Genome position (GRCh38, 1-based): chr13:36,965,676, C>T on the plus strand (G>A on the coding strand, the complement: ALG5 is on the minus strand). VCF-style: chr13-36965676-C-T. GRCh37 (hg19) VCF-style: chr13-37539813-C-T.
Other names: c.582G>A, p.Trp194Ter (NM_001142364.1); short protein forms W194*, W224*.
Identifiers: ClinVar variation 3066151 (VCV003066151.1), dbSNP rs1326771857, ClinGen allele CA387858797.

ClinVar aggregate classification (germline): Likely pathogenic (1 of 4 stars; one submission).

Conditions:
Polycystic kidney disease 7 (PKD7). Identifiers: MedGen C5774222, MONDO:0031062, OMIM 620056.

Submission:

MVZ Medizinische Genetik Mainz
Classification: Likely pathogenic for Polycystic kidney disease 7. Last evaluated: 2023-12-06. Review status: criteria provided, single submitter. Criteria: UK Practice Guidelines For Variant Classification V4 01 2020. Collection method: clinical testing. Allele origin: germline. Inheritance: Autosomal dominant inheritance. Affected: yes. Observed: 1 variant allele.
Comment: ACMG Criteria: PVS1,PM2_SUP